The following is an entry in ClinVar:

ClinVar aggregate classification (germline): Likely pathogenic (1 of 4 stars; one submission).

Conditions:
Primary ciliary dyskinesia. Also called: Ciliary dyskinesia. Identifiers: Orphanet 244, MedGen C0008780, MONDO:0016575, HP:0012265.

Submission:

Labcorp Genetics (formerly Invitae), Labcorp
Classification: Likely pathogenic for Primary ciliary dyskinesia. Last evaluated: 2023-08-09. Review status: criteria provided, single submitter. Criteria: Invitae Variant Classification Sherloc (09022015). Collection method: clinical testing. Allele origin: germline.
Comment: In summary, the currently available evidence indicates that the variant is pathogenic, but additional data are needed to prove that conclusively. Therefore, this variant has been classified as Likely Pathogenic. Algorithms developed to predict the effect of sequence changes on RNA splicing suggest that this variant may disrupt the consensus splice site. Disruption of this splice site has been observed in individual(s) with primary ciliary dyskinesia (PMID: 29095814). This variant is not present in population databases (gnomAD no frequency). This sequence change affects a donor splice site in intron 17 of the DNAI1 gene. It is expected to disrupt RNA splicing. Variants that disrupt the donor or acceptor splice site typically lead to a loss of protein function (PMID: 16199547), and loss-of-function variants in DNAI1 are known to be pathogenic (PMID: 16858015, 29363216).

Literature cited by the submitters: PubMed 29095814; PubMed 16199547; PubMed 16858015; PubMed 29363216.

NM_012144.4(DNAI1):c.1718+2T>G

Gene: DNAI1 (dynein axonemal intermediate chain 1; plus strand). Cytogenetic location: 9p13.3.
Variant type: single nucleotide variant.
Coding change: c.1718+2T>G on transcript NM_012144.4 (MANE Select); the canonical splice donor site of the intron after coding-DNA position 1718, T replaced by G.
Molecular consequence: splice donor variant.
Genome position (GRCh38, 1-based): chr9:34,514,544, T>G. VCF-style: chr9-34514544-T-G. GRCh37 (hg19) VCF-style: chr9-34514542-T-G.
Other names: c.1730+2T>G (NM_001281428.2).
Identifiers: ClinVar variation 2751341 (VCV002751341.3), dbSNP rs2492126891, ClinGen allele CA373264028.
Genomic context (GRCh38, chr9:34,514,544, plus strand): 5'-AAGGTCTTCATGTCCTGCAGCTCCGACTGGACAGTGAAGATCTGGGACCACACCATCAAG[T>G]GAGGGGCCTGTTCCTGGCTCTGCCTGGGGCCCTCCCCTGGGCTATGGCACTGTGAGCCCT-3'